The following is an entry in ClinVar:

NM_000440.3(PDE6A):c.908C>G (p.Ser303Cys)

Gene: PDE6A (phosphodiesterase 6A; minus strand). Cytogenetic location: 5q32.
Variant type: single nucleotide variant.
Coding change: c.908C>G on transcript NM_000440.3 (MANE Select); coding-DNA position 908, C replaced by G.
Protein change: p.Ser303Cys; replaces serine 303 with cysteine.
Molecular consequence: missense variant.
Genome position (GRCh38, 1-based): chr5:149,921,660, G>C on the plus strand (C>G on the coding strand, the complement: PDE6A is on the minus strand). VCF-style: chr5-149921660-G-C. GRCh37 (hg19) VCF-style: chr5-149301223-G-C.
Other names: short protein forms S303C.
Identifiers: ClinVar variation 281323 (VCV000281323.20), dbSNP rs61733363, ClinGen allele CA3504900.

ClinVar aggregate classification (germline): Benign/Likely benign. Review status: criteria provided, multiple submitters, no conflicts (2 of 4 stars). 8 submissions from 8 submitters: Benign (2); Likely benign (3). 3 of the submissions do not count toward it. Last evaluated 2026-01-16.

Conditions:
Retinitis pigmentosa (RP). Identifiers: Orphanet 791, MedGen C0035334, MeSH D012174, MONDO:0019200, OMIM 268000. Inheritance: Autosomal dominant, autosomal recessive and X linked inheritance.

Allele frequency attached by ClinVar (database versions not stated): TOPMed 0.00641; 1000 Genomes Project 30x 0.00687; gnomAD exomes 0.00058 and 0.00138; ExAC 0.00165; gnomAD 0.00549 and 0.00596; ESP Exome Variant Server 0.00638; 1000 Genomes Project 0.00639.

Submissions (8):

Labcorp Genetics (formerly Invitae), Labcorp
Classification: Benign. Last evaluated: 2026-01-16. Review status: criteria provided, single submitter. Criteria: Invitae Variant Classification Sherloc (09022015). Collection method: clinical testing. Allele origin: germline.

Blueprint Genetics
Classification: Likely benign. Last evaluated: 2024-11-25. Review status: criteria provided, single submitter. Criteria: ACMG Guidelines, 2015. Collection method: clinical testing. Allele origin: germline.

GeneDx
Classification: Likely benign. Last evaluated: 2018-01-18. Review status: criteria provided, single submitter. Criteria: GeneDx Variant Classification (06012015). Collection method: clinical testing. Allele origin: germline. Affected: yes.
Comment: This variant is considered likely benign or benign based on one or more of the following criteria: it is a conservative change, it occurs at a poorly conserved position in the protein, it is predicted to be benign by multiple in silico algorithms, and/or has population frequency not consistent with disease.

Eurofins Ntd Llc (ga)
Classification: Benign. Last evaluated: 2015-06-12. Review status: criteria provided, single submitter. Criteria: EGL Classification Definitions 2015. Collection method: clinical testing. Allele origin: germline. Observed: 2 variant alleles, 2 heterozygotes.

Breakthrough Genomics
Classification: Likely benign. Review status: criteria provided, single submitter. Criteria: ACMG Guidelines, 2015. Collection method: not provided. Allele origin: germline. Inheritance: Unknown mechanism. Affected: yes.

Sharon lab, Hadassah-Hebrew University Medical Center
Classification: Likely pathogenic for Retinitis pigmentosa. Last evaluated: 2019-06-23. Review status: no assertion criteria provided. Collection method: research. Allele origin: inherited. Affected: yes. Not counted in ClinVar's aggregate classification.

Clinical Genetics DNA and cytogenetics Diagnostics Lab, Erasmus MC, Erasmus Medical Center
Classification: Likely benign. Review status: no assertion criteria provided. Collection method: clinical testing. Allele origin: germline. Affected: yes. Study: VKGL Data-share Consensus. Not counted in ClinVar's aggregate classification.

Clinical Genetics, Academic Medical Center
Classification: Likely benign. Review status: no assertion criteria provided. Collection method: clinical testing. Allele origin: germline. Affected: yes. Study: VKGL Data-share Consensus. Not counted in ClinVar's aggregate classification.